The following is an entry in ClinVar:

ClinVar aggregate classification (germline): Likely benign (0 of 4 stars; one submission).

Conditions:
DUOXA2-related disorder. Also called: DUOXA2-related condition.

Allele frequency attached by ClinVar (database versions not stated): TOPMed below 0.00001; ExAC 0.00001; gnomAD 0.00001; gnomAD exomes 0.00001.
gnomAD v4.1: 4 of 1,613,900 alleles (0.00025%); highest among the groups gnomAD compares: Admixed American, 0.0017%; no homozygotes.

Submission:

PreventionGenetics, part of Exact Sciences
Classification: Likely benign for DUOXA2-related condition. Last evaluated: 2019-06-21. Review status: no assertion criteria provided. Collection method: clinical testing. Allele origin: germline.
Comment: This variant is classified as likely benign based on ACMG/AMP sequence variant interpretation guidelines (Richards et al. 2015 PMID: 25741868, with internal and published modifications).

NM_207581.4(DUOXA2):c.444G>A (p.Lys148=)

Gene: DUOXA2 (dual oxidase maturation factor 2; plus strand). Cytogenetic location: 15q21.1.
Variant type: single nucleotide variant.
Coding change: c.444G>A on transcript NM_207581.4 (MANE Select); coding-DNA position 444, G replaced by A.
Protein change: p.Lys148=; no amino-acid change (lysine 148 retained).
Molecular consequence: synonymous variant.
Genome position (GRCh38, 1-based): chr15:45,116,619, G>A. VCF-style: chr15-45116619-G-A. GRCh37 (hg19) VCF-style: chr15-45408817-G-A.
Identifiers: ClinVar variation 3042949 (VCV003042949.2), dbSNP rs772785021, ClinGen allele CA7539399.